The following is an entry in ClinVar:

ClinVar aggregate classification (germline): Benign/Likely benign. Review status: criteria provided, multiple submitters, no conflicts (2 of 4 stars). 2 submissions from 2 submitters: Benign (1); Likely benign (1). Last evaluated 2024-12-27.

Conditions:
Hereditary nonpolyposis colorectal neoplasms. Identifiers: MedGen C0009405, MeSH D003123.
Lynch syndrome 5 (LYNCH5). Also called: Colorectal cancer, hereditary nonpolyposis, type 5; Hereditary non-polyposis colorectal cancer, type 5. Identifiers: Orphanet 144, MedGen C1833477, MONDO:0013710, OMIM 614350. Disease mechanism: loss of function.

Submissions (2):

Myriad Genetics, Inc.
Classification: Benign for Lynch syndrome 5. Last evaluated: 2024-12-27. Review status: criteria provided, single submitter. Criteria: Myriad Autosomal Dominant, Autosomal Recessive and X-Linked Classification Criteria (2023). Collection method: clinical testing. Allele origin: unknown.
Comment: This variant is considered benign. This variant is a silent/synonymous amino acid change and it is not expected to impact splicing.

Labcorp Genetics (formerly Invitae), Labcorp
Classification: Likely benign for Hereditary nonpolyposis colorectal neoplasms. Last evaluated: 2022-05-16. Review status: criteria provided, single submitter. Criteria: Invitae Variant Classification Sherloc (09022015). Collection method: clinical testing. Allele origin: germline.

NM_000179.3(MSH6):c.1767T>C (p.Tyr589=)

Gene: MSH6 (mutS homolog 6; plus strand). Cytogenetic location: 2p16.3.
Variant type: single nucleotide variant.
Coding change: c.1767T>C on transcript NM_000179.3 (MANE Select); coding-DNA position 1767, T replaced by C.
Protein change: p.Tyr589=; no amino-acid change (tyrosine 589 retained).
Molecular consequence: synonymous variant. On other transcripts: non-coding transcript variant (4), intron variant (2).
Genome position (GRCh38, 1-based): chr2:47,799,750, T>C. VCF-style: chr2-47799750-T-C. GRCh37 (hg19) VCF-style: chr2-48026889-T-C.
Other names: c.1377T>C, p.Tyr459= (NM_001281492.2); c.861T>C, p.Tyr287= (NM_001281493.2, NM_001281494.2, NM_001406811.1 and 6 more transcripts); c.1863T>C, p.Tyr621= (NM_001406795.1, NM_001406802.1); c.1767T>C, p.Tyr589= (NM_001406796.1, NM_001406798.1, NM_001406800.1 and 3 more transcripts); c.1470T>C, p.Tyr490= (NM_001406797.1, NM_001406801.1, NM_001406805.1 and 10 more transcripts); c.1242T>C, p.Tyr414= (NM_001406799.1, NM_001406806.1, NM_001406807.1); c.1689T>C, p.Tyr563= (NM_001406804.1); c.1773T>C, p.Tyr591= (NM_001406813.1); and 3 more.
Identifiers: ClinVar variation 1995030 (VCV001995030.5), dbSNP rs1558662873, ClinGen allele CA426121098.